The following is an entry in ClinVar:

NM_024996.7(GFM1):c.999-1G>A

Gene: GFM1 (G elongation factor mitochondrial 1; plus strand). Cytogenetic location: 3q25.32.
Variant type: single nucleotide variant.
Coding change: c.999-1G>A on transcript NM_024996.7 (MANE Select); the canonical splice acceptor site of the intron before coding-DNA position 999, G replaced by A.
Molecular consequence: splice acceptor variant.
Genome position (GRCh38, 1-based): chr3:158,654,546, G>A. VCF-style: chr3-158654546-G-A. GRCh37 (hg19) VCF-style: chr3-158372335-G-A.
Other names: c.999-1G>A (NM_024996.5, NM_001308166.2); c.1056-1G>A (NM_001308164.2, NM_001374355.1); c.774-1G>A (NM_001374357.1); c.882-1G>A (NM_001374356.1); c.432-1G>A (NM_001374359.1, NM_001374360.1); c.315-1G>A (NM_001374361.1); c.540-1G>A (NM_001374358.1).
Identifiers: ClinVar variation 1066726 (VCV001066726.12), dbSNP rs757524798, ClinGen allele CA355177283.

ClinVar aggregate classification (germline): Likely pathogenic. Review status: criteria provided, multiple submitters, no conflicts (2 of 4 stars). 3 submissions from 3 submitters: Likely pathogenic (3). Last evaluated 2026-01-28.

Conditions:
Hepatoencephalopathy due to combined oxidative phosphorylation defect type 1. Also called: HEPATOENCEPHALOPATHY, EARLY FATAL PROGRESSIVE. Identifiers: Orphanet 137681, MedGen C1836797, MONDO:0012191, OMIM 609060.

Allele frequency attached by ClinVar (database versions not stated): TOPMed below 0.00001.

Submissions (3):

Labcorp Genetics (formerly Invitae), Labcorp
Classification: Likely pathogenic. Last evaluated: 2026-01-28. Review status: criteria provided, single submitter. Criteria: Invitae Variant Classification Sherloc (09022015). Collection method: clinical testing. Allele origin: germline.
Comment: This sequence change affects an acceptor splice site in intron 7 of the GFM1 gene. It is expected to disrupt RNA splicing. Variants that disrupt the donor or acceptor splice site typically lead to a loss of protein function (PMID: 16199547), and loss-of-function variants in GFM1 are known to be pathogenic (PMID: 16632485, 17160893). This variant is not present in population databases (gnomAD no frequency). This variant has not been reported in the literature in individuals affected with GFM1-related conditions. ClinVar contains an entry for this variant (Variation ID: 1066726). Algorithms developed to predict the effect of sequence changes on RNA splicing suggest that this variant may disrupt the consensus splice site. In summary, the currently available evidence indicates that the variant is pathogenic, but additional data are needed to prove that conclusively. Therefore, this variant has been classified as Likely Pathogenic.

Natera, Inc.
Classification: Likely pathogenic for Combined oxidative phosphorylation deficiency 1. Last evaluated: 2025-02-17. Review status: criteria provided, single submitter. Criteria: Natera Variant Classification Schema (03/2026). Collection method: clinical testing. Allele origin: germline.
Comment: The c.999-1G>A variant in GFM1 is a canonical splice acceptor site variant predicted to affect pre-mRNA splicing, which may result in an abnormal transcript and altered protein product. This variant is expected to result in nonsense mediated decay, truncation, or a dysfunctional protein product. This variant is rare in the general population with a frequency below the threshold expected for the associated phenotype(s). Given the available evidence, this variant is classified as Likely Pathogenic.

Fulgent Genetics
Classification: Likely pathogenic for Hepatoencephalopathy due to combined oxidative phosphorylation defect type 1. Last evaluated: 2024-03-26. Review status: criteria provided, single submitter. Criteria: ACMG Guidelines, 2015. Collection method: clinical testing. Allele origin: germline.

Literature cited by the submitters: PubMed 16199547 (cited by Labcorp Genetics (formerly Invitae), Labcorp); PubMed 16632485 (cited by Labcorp Genetics (formerly Invitae), Labcorp); PubMed 17160893 (cited by Labcorp Genetics (formerly Invitae), Labcorp).